The following is an entry in ClinVar:

NM_000210.4(ITGA6):c.898C>T (p.His300Tyr)

Genes: ITGA6 (integrin subunit alpha 6; plus strand), PDK1-AS1 (PDK1 and ITGA6 antisense RNA 1; minus strand). Cytogenetic location: 2q31.1.
Variant type: single nucleotide variant.
Coding change: c.898C>T on transcript NM_000210.4 (MANE Select); coding-DNA position 898, C replaced by T.
Protein change: p.His300Tyr; replaces histidine 300 with tyrosine.
Molecular consequence: missense variant.
Genome position (GRCh38, 1-based): chr2:172,474,177, C>T. VCF-style: chr2-172474177-C-T. GRCh37 (hg19) VCF-style: chr2-173338905-C-T.
Other names: c.541C>T, p.His181Tyr (NM_001316306.2); c.898C>T, p.His300Tyr (NM_001365529.2, NM_001365530.2, NM_001079818.3); c.1015C>T, p.His339Tyr (NM_001394928.1); short protein forms H181Y, H339Y, H300Y.
Identifiers: ClinVar variation 4766420 (VCV004766420.1).

ClinVar aggregate classification (germline): Uncertain significance (1 of 4 stars; one submission).

gnomAD v4.1: 41 of 1,614,020 alleles (0.0025%); highest among the groups gnomAD compares: Non-Finnish European, 0.0032%; no homozygotes.

Submission:

Labcorp Genetics (formerly Invitae), Labcorp
Classification: Uncertain significance. Last evaluated: 2025-03-21. Review status: criteria provided, single submitter. Criteria: Invitae Variant Classification Sherloc (09022015). Collection method: clinical testing. Allele origin: germline.
Comment: This sequence change replaces histidine, which is basic and polar, with tyrosine, which is neutral and polar, at codon 300 of the ITGA6 protein (p.His300Tyr). This variant is present in population databases (rs755052791, gnomAD 0.01%). This variant has not been reported in the literature in individuals affected with ITGA6-related conditions. Invitae Evidence Modeling of protein sequence and biophysical properties (such as structural, functional, and spatial information, amino acid conservation, physicochemical variation, residue mobility, and thermodynamic stability) indicates that this missense variant is not expected to disrupt ITGA6 protein function with a negative predictive value of 80%. In summary, the available evidence is currently insufficient to determine the role of this variant in disease. Therefore, it has been classified as a Variant of Uncertain Significance.